The following is an entry in ClinVar:

ClinVar aggregate classification (germline): Uncertain significance. Review status: criteria provided, single submitter (1 of 4 stars). 2 submissions from 2 submitters: Uncertain significance (1). 1 of the submissions does not count toward it. Last evaluated 2019-07-31.

Conditions:
3-methylcrotonyl-CoA carboxylase 2 deficiency. Also called: METHYLCROTONYLGLYCINURIA, TYPE II; 3 alpha methylcrotonyl-CoA carboxylase 2 deficiency; 3 alpha methylcrotonylglycinuria 2; MCC 2 deficiency; Methylcrotonylglycinuria type 2. Identifiers: Orphanet 6, MedGen C1859499, MONDO:0008862, OMIM 210210.

Allele frequency attached by ClinVar (database versions not stated): gnomAD exomes below 0.00001; ExAC 0.00001; gnomAD 0.00001; TOPMed 0.00001.
gnomAD v4.1: 7 of 1,613,994 alleles (0.00043%); highest among the groups gnomAD compares: Non-Finnish European, 0.00051%; no homozygotes.

Submissions (2):

Labcorp Genetics (formerly Invitae), Labcorp
Classification: Uncertain significance for 3-methylcrotonyl-CoA carboxylase 2 deficiency. Last evaluated: 2019-07-31. Review status: criteria provided, single submitter. Criteria: Invitae Variant Classification Sherloc (09022015). Collection method: clinical testing. Allele origin: germline.
Comment: This variant has not been reported in the literature in individuals with MCCC2-related disease. This variant is present in population databases (rs759809368, ExAC 0.001%). This sequence change replaces lysine with arginine at codon 348 of the MCCC2 protein (p.Lys348Arg). The lysine residue is highly conserved and there is a small physicochemical difference between lysine and arginine. Algorithms developed to predict the effect of missense changes on protein structure and function (SIFT, PolyPhen-2, Align-GVGD) all suggest that this variant is likely to be disruptive, but these predictions have not been confirmed by published functional studies and their clinical significance is uncertain. In summary, the available evidence is currently insufficient to determine the role of this variant in disease. Therefore, it has been classified as a Variant of Uncertain Significance.

Natera, Inc.
Classification: Uncertain significance for 3-methylcrotonyl-CoA carboxylase 2 deficiency. Last evaluated: 2020-11-23. Review status: no assertion criteria provided. Collection method: clinical testing. Allele origin: germline. Not counted in ClinVar's aggregate classification.

NM_022132.5(MCCC2):c.1043A>G (p.Lys348Arg)

Gene: MCCC2 (methylcrotonyl-CoA carboxylase subunit 2; plus strand). Cytogenetic location: 5q13.2.
Variant type: single nucleotide variant.
Coding change: c.1043A>G on transcript NM_022132.5 (MANE Select); coding-DNA position 1043, A replaced by G.
Protein change: p.Lys348Arg; replaces lysine 348 with arginine.
Molecular consequence: missense variant.
Genome position (GRCh38, 1-based): chr5:71,641,046, A>G. VCF-style: chr5-71641046-A-G. GRCh37 (hg19) VCF-style: chr5-70936873-A-G.
Other names: c.929A>G, p.Lys310Arg (NM_001363147.1); short protein forms K310R, K348R.
Identifiers: ClinVar variation 653031 (VCV000653031.14), dbSNP rs759809368, ClinGen allele CA3297988.